The following is an entry in ClinVar:

ClinVar aggregate classification (germline): Uncertain significance (1 of 4 stars; one submission).

Submission:

Labcorp Genetics (formerly Invitae), Labcorp
Classification: Uncertain significance. Last evaluated: 2022-02-05. Review status: criteria provided, single submitter. Criteria: Invitae Variant Classification Sherloc (09022015). Collection method: clinical testing. Allele origin: germline.
Comment: In summary, the available evidence is currently insufficient to determine the role of this variant in disease. Therefore, it has been classified as a Variant of Uncertain Significance. Algorithms developed to predict the effect of missense changes on protein structure and function are either unavailable or do not agree on the potential impact of this missense change (SIFT: "Not Available"; PolyPhen-2: "Benign"; Align-GVGD: "Not Available"). This variant has not been reported in the literature in individuals affected with IKZF1-related conditions. This variant is not present in population databases (gnomAD no frequency). This sequence change replaces threonine, which is neutral and polar, with serine, which is neutral and polar, at codon 39 of the IKZF1 protein (p.Thr39Ser).

NM_006060.6(IKZF1):c.115A>T (p.Thr39Ser)

Gene: IKZF1 (IKAROS family zinc finger 1; plus strand). Cytogenetic location: 7p12.2.
Variant type: single nucleotide variant.
Coding change: c.115A>T on transcript NM_006060.6 (MANE Select); coding-DNA position 115, A replaced by T.
Protein change: p.Thr39Ser; replaces threonine 39 with serine.
Molecular consequence: missense variant.
Genome position (GRCh38, 1-based): chr7:50,327,712, A>T. VCF-style: chr7-50327712-A-T. GRCh37 (hg19) VCF-style: chr7-50367308-A-T.
Other names: c.115A>T, p.Thr39Ser (NM_001220765.3, NM_001220767.2, NM_001220768.2 and 14 more transcripts); short protein forms T39S.
Identifiers: ClinVar variation 2093578 (VCV002093578.4), dbSNP rs2536618370, ClinGen allele CA367569440.
Genomic context (GRCh38, chr7:50,327,712, plus strand): 5'-CCTGTAAGCGATACTCCAGATGAGGGCGATGAGCCCATGCCGATCCCCGAGGACCTCTCC[A>T]CCACCTCGGGAGGACAGCAAAGCTCCAAGAGTGACAGAGTCGTGGGTAAGTGGGTCACCA-3'
Protein context (NP_006051.1, residues 29-49): EPMPIPEDLS[Thr39Ser]TSGGQQSSKS